The following is an entry in ClinVar:

ClinVar aggregate classification (germline): Uncertain significance (1 of 4 stars; one submission).

Allele frequency attached by ClinVar (database versions not stated): ExAC 0.00002; TOPMed 0.00002; gnomAD 0.00003.
gnomAD v4.1: 58 of 1,614,012 alleles (0.0036%); highest among the groups gnomAD compares: Non-Finnish European, 0.0043%; 1 homozygote.

Submission:

Labcorp Genetics (formerly Invitae), Labcorp
Classification: Uncertain significance. Last evaluated: 2024-05-06. Review status: criteria provided, single submitter. Criteria: Invitae Variant Classification Sherloc (09022015). Collection method: clinical testing. Allele origin: germline.
Comment: This sequence change replaces valine, which is neutral and non-polar, with methionine, which is neutral and non-polar, at codon 436 of the GRM1 protein (p.Val436Met). This variant is present in population databases (rs755116876, gnomAD 0.004%). This variant has not been reported in the literature in individuals affected with GRM1-related conditions. An algorithm developed to predict the effect of missense changes on protein structure and function (PolyPhen-2) suggests that this variant is likely to be disruptive. In summary, the available evidence is currently insufficient to determine the role of this variant in disease. Therefore, it has been classified as a Variant of Uncertain Significance.

NM_001278064.2(GRM1):c.1306G>A (p.Val436Met)

Gene: GRM1 (glutamate metabotropic receptor 1; plus strand). Cytogenetic location: 6q24.3.
Variant type: single nucleotide variant.
Coding change: c.1306G>A on transcript NM_001278064.2 (MANE Select); coding-DNA position 1306, G replaced by A.
Protein change: p.Val436Met; replaces valine 436 with methionine.
Molecular consequence: missense variant.
Genome position (GRCh38, 1-based): chr6:146,352,369, G>A. VCF-style: chr6-146352369-G-A. GRCh37 (hg19) VCF-style: chr6-146673505-G-A.
Other names: c.1306G>A, p.Val436Met (NM_001278065.2, NM_001278066.1, NM_001278067.1); short protein forms V436M.
Identifiers: ClinVar variation 2892553 (VCV002892553.3), dbSNP rs755116876, ClinGen allele CA4037264.